The following is an entry in ClinVar:

ClinVar aggregate classification (germline): Likely pathogenic (0 of 4 stars; one submission).

Conditions:
Perrault syndrome 2 (PRLTS2). Identifiers: Orphanet 2855, Orphanet 642976, MedGen C3554105, MONDO:0013972, OMIM 614926.

Submission:

Department of Clinical Genetics, Copenhagen University Hospital, Rigshospitalet
Classification: Likely pathogenic for Perrault syndrome 2. Last evaluated: 2019-05-20. Review status: no assertion criteria provided. Collection method: clinical testing. Allele origin: paternal. Affected: yes.

NM_012208.4(HARS2):c.137T>A (p.Leu46Gln)

Gene: HARS2 (histidyl-tRNA synthetase 2, mitochondrial; plus strand). Cytogenetic location: 5q31.3.
Variant type: single nucleotide variant.
Coding change: c.137T>A on transcript NM_012208.4 (MANE Select); coding-DNA position 137, T replaced by A.
Protein change: p.Leu46Gln; replaces leucine 46 with glutamine.
Molecular consequence: missense variant. On other transcripts: 5 prime UTR variant (2), intron variant (1).
Genome position (GRCh38, 1-based): chr5:140,693,619, T>A. VCF-style: chr5-140693619-T-A. GRCh37 (hg19) VCF-style: chr5-140073204-T-A.
Other names: c.-74T>A (NM_001278732.2, NM_001363536.2); c.155T>A, p.Leu52Gln (NM_001363535.2); c.109-316T>A (NM_001278731.2); short protein forms L46Q, L52Q.
Identifiers: ClinVar variation 633638 (VCV000633638.3), dbSNP rs1562047621, ClinGen allele CA361193586.